The following is an entry in ClinVar:

ClinVar aggregate classification (germline): Likely benign. Review status: criteria provided, multiple submitters, no conflicts (2 of 4 stars). 6 submissions from 5 submitters: Likely benign (6). Last evaluated 2025-08-01.

Conditions:
ATR-related disorder. Also called: ATR-related condition.
Seckel syndrome 1 (SCKL1). Also called: MICROCEPHALIC PRIMORDIAL DWARFISM I. Identifiers: Orphanet 808, MedGen C4551474, MONDO:0008869, OMIM 210600.
Familial cutaneous telangiectasia and oropharyngeal predisposition cancer syndrome. Identifiers: Orphanet 313846, MedGen C3281203, MONDO:0013806, OMIM 614564.
Inborn genetic diseases. Identifiers: MedGen C0950123, MeSH D030342.

Allele frequency attached by ClinVar (database versions not stated): TOPMed 0.00001; gnomAD exomes below 0.00001; gnomAD 0.00001.
gnomAD v4.1: 8 of 1,613,754 alleles (0.0005%); highest among the groups gnomAD compares: Admixed American, 0.0083%; no homozygotes.

Submissions (6):

Labcorp Genetics (formerly Invitae), Labcorp
Classification: Likely benign. Last evaluated: 2025-08-01. Review status: criteria provided, single submitter. Criteria: Invitae Variant Classification Sherloc (09022015). Collection method: clinical testing. Allele origin: germline.

PreventionGenetics, part of Exact Sciences
Classification: Likely benign for ATR-related condition. Last evaluated: 2025-05-28. Review status: criteria provided, single submitter. Criteria: ACMG Guidelines, 2015. Collection method: clinical testing. Allele origin: germline.
Comment: This variant is classified as likely benign based on ACMG/AMP sequence variant interpretation guidelines (Richards et al. 2015 PMID: 25741868, with internal and published modifications).

CeGaT Center for Human Genetics Tuebingen
Classification: Likely benign. Last evaluated: 2025-02-01. Review status: criteria provided, single submitter. Criteria: CeGaT Center For Human Genetics Tuebingen Variant Classification Criteria Version 2. Collection method: clinical testing. Allele origin: germline. Affected: yes. Observed: 1 variant allele.
Comment: ATR: BP4, BP7

Genome-Nilou Lab
Classification: Likely benign for Seckel syndrome 1. Last evaluated: 2023-02-08. Review status: criteria provided, single submitter. Criteria: ACMG Guidelines, 2015. Collection method: clinical testing. Allele origin: germline.

Genome-Nilou Lab
Classification: Likely benign for Familial cutaneous telangiectasia and oropharyngeal predisposition cancer syndrome. Last evaluated: 2023-02-08. Review status: criteria provided, single submitter. Criteria: ACMG Guidelines, 2015. Collection method: clinical testing. Allele origin: germline.

Ambry Genetics
Classification: Likely benign for Inborn genetic diseases. Last evaluated: 2022-04-24. Review status: criteria provided, single submitter. Criteria: Ambry Variant Classification Scheme 2023. Collection method: clinical testing. Allele origin: germline.

NM_001184.4(ATR):c.6786A>G (p.Leu2262=)

Gene: ATR (ATR checkpoint kinase; minus strand). Cytogenetic location: 3q23.
Variant type: single nucleotide variant.
Coding change: c.6786A>G on transcript NM_001184.4 (MANE Select); coding-DNA position 6786, A replaced by G.
Protein change: p.Leu2262=; no amino-acid change (leucine 2262 retained).
Molecular consequence: synonymous variant.
Genome position (GRCh38, 1-based): chr3:142,466,435, T>C on the plus strand (A>G on the coding strand, the complement: ATR is on the minus strand). VCF-style: chr3-142466435-T-C. GRCh37 (hg19) VCF-style: chr3-142185277-T-C.
Other names: c.6594A>G, p.Leu2198= (NM_001354579.2).
Identifiers: ClinVar variation 1077200 (VCV001077200.25), dbSNP rs1035476600, ClinGen allele CA84731359.